The following is an entry in ClinVar:

NM_000124.4(ERCC6):c.1813C>T (p.His605Tyr)

Gene: ERCC6 (ERCC excision repair 6, chromatin remodeling factor; minus strand). Cytogenetic location: 10q11.23.
Variant type: single nucleotide variant.
Coding change: c.1813C>T on transcript NM_000124.4 (MANE Select); coding-DNA position 1813, C replaced by T.
Protein change: p.His605Tyr; replaces histidine 605 with tyrosine.
Molecular consequence: missense variant.
Genome position (GRCh38, 1-based): chr10:49,493,125, G>A on the plus strand (C>T on the coding strand, the complement: ERCC6 is on the minus strand). VCF-style: chr10-49493125-G-A. GRCh37 (hg19) VCF-style: chr10-50701171-G-A.
Other names: c.1813C>T, p.His605Tyr (NM_001346440.2); short protein forms H605Y.
Identifiers: ClinVar variation 2302528 (VCV002302528.7), dbSNP rs757008329, ClinGen allele CA5495859.
Genomic context (GRCh38, chr10:49,493,125, plus strand): 5'-TAAAATGGAGGGCATTAAAACAAAACAAAAAGGTACTGAAATATTGTGTTACCTTTTTGT[G>A]GGTATAGGAACCGGTTTCATGTAGAATTGCCACTCTGAACGGAGGCCACCACGTGTGAAA-3'
Protein context (NP_000115.1, residues 595-615): AILHETGSYT[His605Tyr]KKEKLIRDVA

ClinVar aggregate classification (germline): Uncertain significance. Review status: criteria provided, multiple submitters, no conflicts (2 of 4 stars). 2 submissions from 2 submitters: Uncertain significance (2). Last evaluated 2024-12-09.

Conditions:
Inborn genetic diseases. Identifiers: MedGen C0950123, MeSH D030342.

Allele frequency attached by ClinVar (database versions not stated): TOPMed below 0.00001; gnomAD 0.00001; ExAC 0.00009.
gnomAD v4.1: 72 of 1,613,838 alleles (0.0045%); highest among the groups gnomAD compares: Non-Finnish European, 0.0044%; no homozygotes.

Submissions (2):

Ambry Genetics
Classification: Uncertain significance for Inborn genetic diseases. Last evaluated: 2024-12-09. Review status: criteria provided, single submitter. Criteria: Ambry Variant Classification Scheme 2023. Collection method: clinical testing. Allele origin: germline.

Labcorp Genetics (formerly Invitae), Labcorp
Classification: Uncertain significance. Last evaluated: 2024-02-24. Review status: criteria provided, single submitter. Criteria: Invitae Variant Classification Sherloc (09022015). Collection method: clinical testing. Allele origin: germline.
Comment: This sequence change replaces histidine, which is basic and polar, with tyrosine, which is neutral and polar, at codon 605 of the ERCC6 protein (p.His605Tyr). This variant is present in population databases (rs757008329, gnomAD 0.02%). This variant has not been reported in the literature in individuals affected with ERCC6-related conditions. ClinVar contains an entry for this variant (Variation ID: 2302528). Advanced modeling of protein sequence and biophysical properties (such as structural, functional, and spatial information, amino acid conservation, physicochemical variation, residue mobility, and thermodynamic stability) performed at Invitae indicates that this missense variant is not expected to disrupt ERCC6 protein function with a negative predictive value of 95%. In summary, the available evidence is currently insufficient to determine the role of this variant in disease. Therefore, it has been classified as a Variant of Uncertain Significance.